The following is an entry in ClinVar:

NM_001065.4(TNFRSF1A):c.1058-7C>T

Gene: TNFRSF1A (TNF receptor superfamily member 1A; minus strand). Cytogenetic location: 12p13.31.
Variant type: single nucleotide variant.
Coding change: c.1058-7C>T on transcript NM_001065.4 (MANE Select); 7 bases into the intron before coding-DNA position 1058, C replaced by T.
Molecular consequence: intron variant.
Genome position (GRCh38, 1-based): chr12:6,329,629, G>A on the plus strand (C>T on the coding strand, the complement: TNFRSF1A is on the minus strand). VCF-style: chr12-6329629-G-A. GRCh37 (hg19) VCF-style: chr12-6438795-G-A.
Other names: c.734-7C>T (NM_001346091.2); c.599-7C>T (NM_001346092.2).
Identifiers: ClinVar variation 3036277 (VCV003036277.2), dbSNP rs2497785841, ClinGen allele CA2740092320.
Genomic context (GRCh38, chr12:6,329,629, plus strand): 5'-AGCGCAACGGGGGCACGTTCTCCACCACGGCGTACAGCGTCGCGGGGTCATCAGCTGCGG[G>A]GACGCGGGCCGGTGAGCCTCGGGCGGCAACCCCAGGCCCCGCCCCGCATCCCGCGCCCTC-3'

ClinVar aggregate classification (germline): Likely benign (0 of 4 stars; one submission).

Conditions:
TNFRSF1A-related disorder. Also called: TNFRSF1A-related condition.

Submission:

PreventionGenetics, part of Exact Sciences
Classification: Likely benign for TNFRSF1A-related condition. Last evaluated: 2020-06-08. Review status: no assertion criteria provided. Collection method: clinical testing. Allele origin: germline.
Comment: This variant is classified as likely benign based on ACMG/AMP sequence variant interpretation guidelines (Richards et al. 2015 PMID: 25741868, with internal and published modifications).